The following is an entry in ClinVar:

ClinVar aggregate classification (germline): Uncertain significance. Review status: criteria provided, multiple submitters, no conflicts (2 of 4 stars). 2 submissions from 2 submitters: Uncertain significance (2). Last evaluated 2022-05-26.

Conditions:
Nephronophthisis. Also called: Juvenile Nephronophthisis. Identifiers: Orphanet 655, MedGen C0687120, MONDO:0019005, HP:0000090.
Infantile nephronophthisis (NPHP2). Also called: Nephronophthisis 2; Nephronophthisis 2, infantile. Identifiers: Orphanet 655, Orphanet 93591, MedGen C1865872, MONDO:0011190, OMIM 602088.

Allele frequency attached by ClinVar (database versions not stated): gnomAD exomes below 0.00001 and 0.00001.
gnomAD v4.1: 7 of 1,611,064 alleles (0.00043%); highest among the groups gnomAD compares: South Asian, 0.0055%; no homozygotes.

Submissions (2):

Fulgent Genetics
Classification: Uncertain significance for Infantile nephronophthisis. Last evaluated: 2022-05-26. Review status: criteria provided, single submitter. Criteria: ACMG Guidelines, 2015. Collection method: clinical testing. Allele origin: unknown.

Labcorp Genetics (formerly Invitae), Labcorp
Classification: Uncertain significance for Nephronophthisis. Last evaluated: 2021-10-01. Review status: criteria provided, single submitter. Criteria: Invitae Variant Classification Sherloc (09022015). Collection method: clinical testing. Allele origin: germline.
Comment: This sequence change replaces proline with leucine at codon 515 of the INVS protein (p.Pro515Leu). The proline residue is highly conserved and there is a moderate physicochemical difference between proline and leucine. This variant is not present in population databases (ExAC no frequency). This variant has not been reported in the literature in individuals affected with INVS-related conditions. Algorithms developed to predict the effect of missense changes on protein structure and function are either unavailable or do not agree on the potential impact of this missense change (SIFT: "Deleterious"; PolyPhen-2: "Benign"; Align-GVGD: "Class C0"). In summary, the available evidence is currently insufficient to determine the role of this variant in disease. Therefore, it has been classified as a Variant of Uncertain Significance.

NM_014425.5(INVS):c.1544C>T (p.Pro515Leu)

Gene: INVS (inversin; plus strand). Cytogenetic location: 9q31.1.
Variant type: single nucleotide variant.
Coding change: c.1544C>T on transcript NM_014425.5 (MANE Select); coding-DNA position 1544, C replaced by T.
Protein change: p.Pro515Leu; replaces proline 515 with leucine.
Molecular consequence: missense variant. On other transcripts: non-coding transcript variant (1).
Genome position (GRCh38, 1-based): chr9:100,264,901, C>T. VCF-style: chr9-100264901-C-T. GRCh37 (hg19) VCF-style: chr9-103027183-C-T.
Other names: c.1256C>T, p.Pro419Leu (NM_001318381.2); c.566C>T, p.Pro189Leu (NM_001318382.2); short protein forms P515L, P419L, P189L.
Identifiers: ClinVar variation 1510565 (VCV001510565.4), dbSNP rs1173094879, ClinGen allele CA374236644.